The following is an entry in ClinVar:

ClinVar aggregate classification (germline): Likely pathogenic (1 of 4 stars; one submission).

Conditions:
Benign neonatal seizures. Also called: Benign neonatal familial convulsions; Benign familial neonatal epilepsy; Benign familial neonatal seizures; Convulsions benign familial neonatal dominant form; Autosomal dominant form of benign neonatal seizures. Identifiers: Orphanet 1949, MedGen C0220669, MONDO:0016027.

Submission:

Labcorp Genetics (formerly Invitae), Labcorp
Classification: Likely pathogenic for Benign neonatal seizures. Last evaluated: 2023-04-09. Review status: criteria provided, single submitter. Criteria: Invitae Variant Classification Sherloc (09022015). Collection method: clinical testing. Allele origin: germline.
Comment: This variant has not been reported in the literature in individuals affected with KCNQ3-related conditions. This variant is not present in population databases (gnomAD no frequency). This sequence change affects a donor splice site in intron 9 of the KCNQ3 gene. It is expected to disrupt RNA splicing. Variants that disrupt the donor or acceptor splice site typically lead to a loss of protein function (PMID: 16199547), and loss-of-function variants in KCNQ3 are known to be pathogenic (PMID: 29383681, 29852413). Algorithms developed to predict the effect of sequence changes on RNA splicing suggest that this variant may disrupt the consensus splice site. In summary, the currently available evidence indicates that the variant is pathogenic, but additional data are needed to prove that conclusively. Therefore, this variant has been classified as Likely Pathogenic.

Literature cited by the submitters: PubMed 16199547; PubMed 29383681; PubMed 29852413.

NM_004519.4(KCNQ3):c.1262+1G>T

Gene: KCNQ3 (potassium voltage-gated channel subfamily Q member 3; minus strand). Cytogenetic location: 8q24.22.
Variant type: single nucleotide variant.
Coding change: c.1262+1G>T on transcript NM_004519.4 (MANE Select); the canonical splice donor site of the intron after coding-DNA position 1262, G replaced by T.
Molecular consequence: splice donor variant.
Genome position (GRCh38, 1-based): chr8:132,163,467, C>A on the plus strand (G>T on the coding strand, the complement: KCNQ3 is on the minus strand). VCF-style: chr8-132163467-C-A. GRCh37 (hg19) VCF-style: chr8-133175714-C-A.
Other names: c.902+1G>T (NM_001204824.2).
Identifiers: ClinVar variation 2842212 (VCV002842212.3), dbSNP rs2536921416, ClinGen allele CA372289507.